The following is an entry in ClinVar:

ClinVar aggregate classification (germline): Conflicting classifications of pathogenicity. Review status: criteria provided, conflicting classifications (1 of 4 stars). 8 submissions from 8 submitters: Uncertain significance (1); Benign (2); Likely benign (5). Last evaluated 2026-01-20.

Conditions:
NPHP3-related Meckel-like syndrome. Also called: GOLDSTON SYNDROME; Meckel syndrome type 7. Identifiers: Orphanet 3032, MedGen C2673885, MONDO:0009966, OMIM 267010.
Renal-hepatic-pancreatic dysplasia 1 (RHPD1). Identifiers: MedGen C3715199, MONDO:0008833, OMIM 208540.
Nephronophthisis 3 (NPHP3). Also called: Adolescent nephronophthisis. Identifiers: Orphanet 655, MedGen C1858392, MONDO:0011456, OMIM 604387.
Kidney disorder. Also called: Kidney disease; Kidney Diseases; renal disorder; Nephropathy; renal disease. Identifiers: MedGen C0022658, MONDO:0005240, HP:0000112.
Nephronophthisis. Also called: Juvenile Nephronophthisis. Identifiers: Orphanet 655, MedGen C0687120, MONDO:0019005, HP:0000090.

Allele frequency attached by ClinVar (database versions not stated): gnomAD exomes 0.00017 and 0.00032; ExAC 0.00040; ESP Exome Variant Server 0.00100; gnomAD 0.00121; TOPMed 0.00150; 1000 Genomes Project 30x 0.00250; 1000 Genomes Project 0.00300.
gnomAD v4.1: 484 of 1,613,722 alleles (0.03%); highest among the groups gnomAD compares: African/African-American, 0.47%; 4 homozygotes.

Submissions (8):

Labcorp Genetics (formerly Invitae), Labcorp
Classification: Benign for Nephronophthisis. Last evaluated: 2026-01-20. Review status: criteria provided, single submitter. Criteria: Invitae Variant Classification Sherloc (09022015). Collection method: clinical testing. Allele origin: germline.

Mayo Clinic Laboratories, Mayo Clinic
Classification: Likely benign. Last evaluated: 2025-10-06. Review status: criteria provided, single submitter. Criteria: ACMG Guidelines, 2015. Collection method: clinical testing. Allele origin: germline. Observed: 2 variant alleles.
Comment: BS1, BP4, BP7

Blueprint Genetics
Classification: Likely benign. Last evaluated: 2024-10-02. Review status: criteria provided, single submitter. Criteria: ACMG Guidelines, 2015. Collection method: clinical testing. Allele origin: germline.

Fulgent Genetics
Classification: Likely benign for Renal-hepatic-pancreatic dysplasia 1; NPHP3-related Meckel-like syndrome; Nephronophthisis 3. Last evaluated: 2021-12-05. Review status: criteria provided, single submitter. Criteria: ACMG Guidelines, 2015. Collection method: clinical testing. Allele origin: unknown.

GeneDx
Classification: Likely benign. Last evaluated: 2017-07-19. Review status: criteria provided, single submitter. Criteria: GeneDx Variant Classification (06012015). Collection method: clinical testing. Allele origin: germline. Affected: yes.
Comment: This variant is considered likely benign or benign based on one or more of the following criteria: it is a conservative change, it occurs at a poorly conserved position in the protein, it is predicted to be benign by multiple in silico algorithms, and/or has population frequency not consistent with disease.

Eurofins Ntd Llc (ga)
Classification: Likely benign. Last evaluated: 2017-07-06. Review status: criteria provided, single submitter. Criteria: EGL Classification Definitions 2015. Collection method: clinical testing. Allele origin: germline. Observed: 7 variant alleles, 6 heterozygotes.

Genome Diagnostics Laboratory, The Hospital for Sick Children
Classification: Uncertain significance for Kidney disorder. Last evaluated: 2017-04-17. Review status: criteria provided, single submitter. Criteria: ACMG Guidelines, 2015. Collection method: clinical testing. Allele origin: germline.

PreventionGenetics, part of Exact Sciences
Classification: Benign. Review status: criteria provided, single submitter. Criteria: ACMG Guidelines, 2015. Collection method: clinical testing. Allele origin: germline.

NM_153240.5(NPHP3):c.3570+9G>T

Genes: NPHP3 (nephrocystin 3; minus strand), NPHP3-ACAD11 (NPHP3-ACAD11 readthrough (NMD candidate); minus strand). Cytogenetic location: 3q22.1.
Variant type: single nucleotide variant.
Coding change: c.3570+9G>T on transcript NM_153240.5 (MANE Select); 9 bases into the intron after coding-DNA position 3570, G replaced by T.
Molecular consequence: intron variant.
Genome position (GRCh38, 1-based): chr3:132,684,545, C>A on the plus strand (G>T on the coding strand, the complement: NPHP3 is on the minus strand). VCF-style: chr3-132684545-C-A. GRCh37 (hg19) VCF-style: chr3-132403389-C-A.
Other names: p.?.
Identifiers: ClinVar variation 262706 (VCV000262706.21), dbSNP rs112749193, ClinGen allele CA2621718.